The following is an entry in ClinVar:

NM_000321.3(RB1):c.2016G>C (p.Glu672Asp)

Gene: RB1 (RB transcriptional corepressor 1; plus strand). Cytogenetic location: 13q14.2.
Variant type: single nucleotide variant.
Coding change: c.2016G>C on transcript NM_000321.3 (MANE Select); coding-DNA position 2016, G replaced by C.
Protein change: p.Glu672Asp; replaces glutamic acid 672 with aspartic acid.
Molecular consequence: missense variant.
Genome position (GRCh38, 1-based): chr13:48,459,743, G>C. VCF-style: chr13-48459743-G-C. GRCh37 (hg19) VCF-style: chr13-49033879-G-C.
Other names: c.2016G>C, p.Glu672Asp (NM_001407165.1); short protein forms E672D.
Identifiers: ClinVar variation 2287869 (VCV002287869.4), dbSNP rs1555294098, ClinGen allele CA388166768.

ClinVar aggregate classification (germline): Conflicting classifications of pathogenicity. Review status: criteria provided, conflicting classifications (1 of 4 stars). 2 submissions from 2 submitters: Uncertain significance (1); Likely benign (1). Last evaluated 2025-10-19.

Conditions:
Hereditary cancer-predisposing syndrome. Also called: Neoplastic Syndromes, Hereditary; Tumor predisposition; Hereditary Cancer Syndrome; Hereditary neoplastic syndrome. Identifiers: Orphanet 140162, MedGen C0027672, MeSH D009386, MONDO:0015356.
Retinoblastoma (RB1). Also called: RETINOBLASTOMA, SOMATIC. Identifiers: Orphanet 790, MedGen C0035335, MeSH D012175, MONDO:0008380, OMIM 180200, HP:0009919. Disease mechanism: loss of function. Inheritance: Both sporadic and heritable forms are tested..

Submissions (2):

Ambry Genetics
Classification: Likely benign for Hereditary cancer-predisposing syndrome. Last evaluated: 2025-10-19. Review status: criteria provided, single submitter. Criteria: Ambry Variant Classification Scheme 2023. Collection method: clinical testing. Allele origin: germline.

All of Us Research Program, National Institutes of Health
Classification: Uncertain significance for Retinoblastoma. Last evaluated: 2023-05-03. Review status: criteria provided, single submitter. Criteria: ACMG Guidelines, 2015. Collection method: clinical testing. Allele origin: germline. Inheritance: Autosomal dominant inheritance. Observed: 1 variant allele, 1 heterozygote.
Comment: This study involves interpretation of variants in research participants for the purpose of population health screening. Participant phenotype was not available at the time of variant classification. Additional details can be found in publication PMID: 35346344, PMCID: PMC8962531